The following is an entry in ClinVar:

NM_133433.4(NIPBL):c.869-640G>C

Gene: NIPBL (NIPBL cohesin loading factor; plus strand). Cytogenetic location: 5p13.2.
Variant type: single nucleotide variant.
Coding change: c.869-640G>C on transcript NM_133433.4 (MANE Select); 640 bases into the intron before coding-DNA position 869, G replaced by C.
Molecular consequence: intron variant.
Genome position (GRCh38, 1-based): chr5:36,975,136, G>C. VCF-style: chr5-36975136-G-C. GRCh37 (hg19) VCF-style: chr5-36975238-G-C.
Other names: c.869-640G>C (NM_015384.5).
Identifiers: ClinVar variation 1301905 (VCV001301905.3), dbSNP rs2149626924, ClinGen allele CA2573052495.
Genomic context (GRCh38, chr5:36,975,136, plus strand): 5'-GCTCAATATATTTTATTGGGCCTTGAAATTTACTGAACTTATTTATTTTTCTAATAAAAA[G>C]AGGATTAGCAAGCTGAAGAGAGTATGTGAATGATGTTAAGGGAGAAAGAGAAGACCACAT-3'

ClinVar aggregate classification (germline): Likely pathogenic (0 of 4 stars; one submission).

Conditions:
Cornelia de Lange syndrome 1 (CDLS1). Also called: NIPBL-Related Cornelia de Lange Syndrome; TYPUS DEGENERATIVUS AMSTELODAMENSIS; Brachmann de Lange syndrome. Identifiers: Orphanet 199, MedGen C4551851, MONDO:0007387, OMIM 122470.

Submission:

Department of Genetics, Rouen University Hospital, Normandy Center for Genomic and Personalized Medicine
Classification: Likely pathogenic for Cornelia de Lange syndrome 1. Review status: no assertion criteria provided. Collection method: clinical testing. Allele origin: de novo. Inheritance: Sporadic. Affected: yes. Observed: 1 heterozygote.
Comment: (NM_133433.3(NIPBL):c.869-640G>C, intron 8, absent from gnomAD) showed strong predictions of effect on splicing, with predicted creation of a new splice acceptor site (ClinVar Submission SUB10575921). The spliceAI tool predicted an acceptor gain with a Δ score of 0.83. Together with predictions of cryptic donor sites in the surrounding regions both in mutant and WT context, we hypothesized a possible creation of a neo-exon at position chr5:36975240_36975335. Following RNAseq, NIPBL analysis of aligned reads showed the presence of abnormal splice products mapping to intron 8 at the expected positions, showing the inclusion of the predicted 95 bp-cryptic exon, with aberrant junctions both to exon 8 and exon 9. The exonized intronic sequence is out of frame and results in a premature stop codon (r.868_869ins95, p.Gly291fs*3). The neo-exon inclusion was further confirmed by RT-PCR and cDNA sequencing